The following is an entry in ClinVar:

ClinVar aggregate classification (germline): Uncertain significance (1 of 4 stars; one submission).

Conditions:
Inborn genetic diseases. Identifiers: MedGen C0950123, MeSH D030342.

Submission:

Ambry Genetics
Classification: Uncertain significance for Inborn genetic diseases. Last evaluated: 2021-05-28. Review status: criteria provided, single submitter. Criteria: Ambry Variant Classification Scheme 2023. Collection method: clinical testing. Allele origin: germline.
Comment: The c.5245C>T (p.R1749W) alteration is located in coding exon 14 of the SETD1B gene. This alteration results from a C to T substitution at nucleotide position 5245, causing the arginine (R) at amino acid position 1749 to be replaced by a tryptophan (W). Based on data from the Genome Aggregation Database (gnomAD), the SETD1B c.5245C>T alteration was not observed, with coverage at this position. This amino acid position is highly conserved in available vertebrate species. The in silico prediction for the p.R1749W alteration is inconclusive. Based on insufficient or conflicting evidence, the clinical significance of this alteration remains unclear.

NM_001353345.2(SETD1B):c.5374C>T (p.Arg1792Trp)

Gene: SETD1B (SET domain containing 1B, histone lysine methyltransferase; plus strand). Cytogenetic location: 12q24.31.
Variant type: single nucleotide variant.
Coding change: c.5374C>T on transcript NM_001353345.2 (MANE Select); coding-DNA position 5374, C replaced by T.
Protein change: p.Arg1792Trp; replaces arginine 1792 with tryptophan.
Molecular consequence: missense variant.
Genome position (GRCh38, 1-based): chr12:121,827,555, C>T. VCF-style: chr12-121827555-C-T. GRCh37 (hg19) VCF-style: chr12-122265461-C-T.
Other names: NM_015048.1:c.5245C>T; short protein forms R1792W.
Identifiers: ClinVar variation 2377118 (VCV002377118.2), dbSNP rs183137751, ClinGen allele CA387003223.
Genomic context (GRCh38, chr12:121,827,555, plus strand): 5'-AGCCCCGCACACCGTCCACTGCAGGGCATGAGCATCCCAGCACAGCCCCACGCCTCCACC[C>T]GGGCAGGCTCGGAGCGGCGTTCGGAGCAGCGCCGCCTGCTGTCCTCCTTCACTGGCAGCT-3'
Protein context (NP_001340274.1, residues 1782-1802): SIPAQPHAST[Arg1792Trp]AGSERRSEQR